The following is an entry in ClinVar:

NM_020821.3(VPS13C):c.1947A>G (p.Gln649=)

Gene: VPS13C (vacuolar protein sorting 13 homolog C; minus strand). Cytogenetic location: 15q22.2.
Variant type: single nucleotide variant.
Coding change: c.1947A>G on transcript NM_020821.3 (MANE Select); coding-DNA position 1947, A replaced by G.
Protein change: p.Gln649=; no amino-acid change (glutamine 649 retained).
Molecular consequence: synonymous variant.
Genome position (GRCh38, 1-based): chr15:61,982,541, T>C on the plus strand (A>G on the coding strand, the complement: VPS13C is on the minus strand). VCF-style: chr15-61982541-T-C. GRCh37 (hg19) VCF-style: chr15-62274740-T-C.
Other names: c.1947A>G, p.Gln649= (NM_001018088.3); c.1818A>G, p.Gln606= (NM_017684.5, NM_018080.4).
Identifiers: ClinVar variation 1358922 (VCV001358922.8), dbSNP rs534785932, ClinGen allele CA7596868.

ClinVar aggregate classification (germline): Uncertain significance (1 of 4 stars; one submission).

Allele frequency attached by ClinVar (database versions not stated): ExAC 0.00002; gnomAD exomes 0.00002; TOPMed 0.00006; gnomAD 0.00009 and 0.00010; 1000 Genomes Project 0.00020; 1000 Genomes Project 30x 0.00031.
gnomAD v4.1: 42 of 1,609,176 alleles (0.0026%); highest among the groups gnomAD compares: African/African-American, 0.016%; no homozygotes.

Submission:

Labcorp Genetics (formerly Invitae), Labcorp
Classification: Uncertain significance. Last evaluated: 2021-03-16. Review status: criteria provided, single submitter. Criteria: Invitae Variant Classification Sherloc (09022015). Collection method: clinical testing. Allele origin: germline.
Comment: Algorithms developed to predict the effect of sequence changes on RNA splicing suggest that this variant may create or strengthen a splice site, but this prediction has not been confirmed by published transcriptional studies. This variant has not been reported in the literature in individuals with VPS13C-related conditions. This variant is present in population databases (rs534785932, ExAC 0.02%). This sequence change affects codon 649 of the VPS13C mRNA. It is a 'silent' change, meaning that it does not change the encoded amino acid sequence of the VPS13C protein. In summary, the available evidence is currently insufficient to determine the role of this variant in disease. Therefore, it has been classified as a Variant of Uncertain Significance.